The following is an entry in ClinVar:

ClinVar aggregate classification (germline): Likely pathogenic (1 of 4 stars; one submission).

Allele frequency attached by ClinVar (database versions not stated): gnomAD exomes below 0.00001.
gnomAD v4.1: 1 of 1,614,040 alleles (0.000062%); highest among the groups gnomAD compares: Non-Finnish European, 0.000085%; no homozygotes.

Submission:

Labcorp Genetics (formerly Invitae), Labcorp
Classification: Likely pathogenic. Last evaluated: 2022-02-10. Review status: criteria provided, single submitter. Criteria: Invitae Variant Classification Sherloc (09022015). Collection method: clinical testing. Allele origin: germline.
Comment: This sequence change affects an acceptor splice site in intron 40 of the COL4A3 gene. It is expected to disrupt RNA splicing. Variants that disrupt the donor or acceptor splice site typically lead to a loss of protein function (PMID: 16199547), and loss-of-function variants in COL4A3 are known to be pathogenic (PMID: 8956999, 24854265, 26809805, 27281700). This variant is not present in population databases (gnomAD no frequency). This variant has not been reported in the literature in individuals affected with COL4A3-related conditions. Algorithms developed to predict the effect of sequence changes on RNA splicing suggest that this variant may disrupt the consensus splice site. In summary, the currently available evidence indicates that the variant is pathogenic, but additional data are needed to prove that conclusively. Therefore, this variant has been classified as Likely Pathogenic.

Literature cited by the submitters: PubMed 16199547; PubMed 8956999; PubMed 24854265; PubMed 26809805; PubMed 27281700.

NM_000091.5(COL4A3):c.3518-2A>G

Genes: COL4A3 (collagen type IV alpha 3 chain; plus strand), MFF-DT (MFF divergent transcript; minus strand). Cytogenetic location: 2q36.3.
Variant type: single nucleotide variant.
Coding change: c.3518-2A>G on transcript NM_000091.5 (MANE Select); the canonical splice acceptor site of the intron before coding-DNA position 3518, A replaced by G.
Molecular consequence: splice acceptor variant.
Genome position (GRCh38, 1-based): chr2:227,295,267, A>G. VCF-style: chr2-227295267-A-G. GRCh37 (hg19) VCF-style: chr2-228159983-A-G.
Identifiers: ClinVar variation 1508339 (VCV001508339.6), dbSNP rs2106237105, ClinGen allele CA350859069.
Genomic context (GRCh38, chr2:227,295,267, plus strand): 5'-TCATAGACATATAATGTAATGAAATTGACCAATTATTAACATGCCAAGATTATCTCTTTC[A>G]GGTTTATTGAGGGCCCCTCCAGGCCCAAGAGGGAACCCTGGTGCTCAAGGTAAGCAGTTC-3'